The following is an entry in ClinVar:

ClinVar aggregate classification (germline): Likely benign (1 of 4 stars; one submission).

Submission:

CeGaT Center for Human Genetics Tuebingen
Classification: Likely benign. Last evaluated: 2025-10-01. Review status: criteria provided, single submitter. Criteria: CeGaT Center For Human Genetics Tuebingen Variant Classification Criteria Version 2. Collection method: clinical testing. Allele origin: germline. Affected: yes. Observed: 1 variant allele.
Comment: MAPK8IP3: PM4:Supporting, BS2

NM_001318852.2(MAPK8IP3):c.2272AAG[2] (p.Lys760del)

Gene: MAPK8IP3 (mitogen-activated protein kinase 8 interacting protein 3; plus strand). Cytogenetic location: 16p13.3.
Variant type: Microsatellite.
Coding change: c.2272AAG[2] on transcript NM_001318852.2 (MANE Select); two copies in a row of the 3-base unit AAG starting at c.2272; the reference has three copies in a row; one copy, 3 bases deleted.
Protein change: p.Lys760del; deletes lysine 760.
Molecular consequence: inframe deletion.
Genome position (GRCh38, 1-based): chr16:1,764,457-1,764,459, AAG deleted; deleting any 3 consecutive bases within chr16:1,764,449-1,764,459 gives the same sequence; the position shown is the placement nearest the transcript's 3' end. VCF-style (leftmost placement, unchanged base first): chr16-1764448-GAGA-G. GRCh37 (hg19) VCF-style: chr16-1814449-GAGA-G.
Other names: c.2251AAG[2], p.Lys753del (NM_001040439.2); c.2269AAG[2], p.Lys759del (NM_015133.5); short protein forms K753del, K759del, K760del.
Identifiers: ClinVar variation 4533754 (VCV004533754.6).